The following is an entry in ClinVar:

ClinVar aggregate classification (germline): Uncertain significance (1 of 4 stars; one submission).

Submission:

Labcorp Genetics (formerly Invitae), Labcorp
Classification: Uncertain significance. Last evaluated: 2025-06-14. Review status: criteria provided, single submitter. Criteria: Invitae Variant Classification Sherloc (09022015). Collection method: clinical testing. Allele origin: germline.
Comment: This sequence change falls in intron 4 of the MTOR gene. It does not directly change the encoded amino acid sequence of the MTOR protein. It affects a nucleotide within the consensus splice site. This variant is not present in population databases (gnomAD no frequency). This variant has not been reported in the literature in individuals affected with MTOR-related conditions. Variants that disrupt the consensus splice site are a relatively common cause of aberrant splicing (PMID: 17576681, 9536098). Algorithms developed to predict the effect of sequence changes on RNA splicing suggest that this variant is not likely to affect RNA splicing. In summary, the available evidence is currently insufficient to determine the role of this variant in disease. Therefore, it has been classified as a Variant of Uncertain Significance.

Literature cited by the submitters: PubMed 17576681; PubMed 9536098.

NM_004958.4(MTOR):c.504+3G>A

Gene: MTOR (mechanistic target of rapamycin kinase; minus strand). Cytogenetic location: 1p36.22.
Variant type: single nucleotide variant.
Coding change: c.504+3G>A on transcript NM_004958.4 (MANE Select); 3 bases into the intron after coding-DNA position 504, G replaced by A.
Molecular consequence: intron variant.
Genome position (GRCh38, 1-based): chr1:11,256,930, C>T on the plus strand (G>A on the coding strand, the complement: MTOR is on the minus strand). VCF-style: chr1-11256930-C-T. GRCh37 (hg19) VCF-style: chr1-11316987-C-T.
Other names: c.-636+3G>A (NM_001386501.1); c.504+3G>A (NM_001386500.1).
Identifiers: ClinVar variation 4811631 (VCV004811631.1).